The following is an entry in ClinVar:

ClinVar aggregate classification (germline): Likely benign (0 of 4 stars; one submission).

Conditions:
SLC6A17-related disorder. Also called: SLC6A17-related condition.

Allele frequency attached by ClinVar (database versions not stated): TOPMed 0.00002; gnomAD exomes 0.00003; ExAC 0.00004.
gnomAD v4.1: 46 of 1,613,958 alleles (0.0029%); highest among the groups gnomAD compares: East Asian, 0.042%; no homozygotes.

Submission:

PreventionGenetics, part of Exact Sciences
Classification: Likely benign for SLC6A17-related condition. Last evaluated: 2019-03-20. Review status: no assertion criteria provided. Collection method: clinical testing. Allele origin: germline.
Comment: This variant is classified as likely benign based on ACMG/AMP sequence variant interpretation guidelines (Richards et al. 2015 PMID: 25741868, with internal and published modifications).

NM_001010898.4(SLC6A17):c.1908C>T (p.Phe636=)

Gene: SLC6A17 (solute carrier family 6 member 17; plus strand). Cytogenetic location: 1p13.3.
Variant type: single nucleotide variant.
Coding change: c.1908C>T on transcript NM_001010898.4 (MANE Select); coding-DNA position 1908, C replaced by T.
Protein change: p.Phe636=; no amino-acid change (phenylalanine 636 retained).
Molecular consequence: synonymous variant.
Genome position (GRCh38, 1-based): chr1:110,198,168, C>T. VCF-style: chr1-110198168-C-T. GRCh37 (hg19) VCF-style: chr1-110740790-C-T.
Identifiers: ClinVar variation 3058006 (VCV003058006.2), dbSNP rs778415102, ClinGen allele CA998315.
Genomic context (GRCh38, chr1:110,198,168, plus strand): 5'-GGCCATGGCACTCCTGATCACCCTCATCGTCGTGGCGACGCTGCCCATCCCTGTGGTGTT[C>T]GTCCTGCGGCACTTCCACCTGCTCTCTGATGGCTCCAACACCCTCTCCGTGTCCTACAAG-3'
Protein context (NP_001010898.1, residues 626-646): VVATLPIPVV[Phe636=]VLRHFHLLSD